The following is an entry in ClinVar:

NM_002582.4(PARN):c.233A>G (p.Tyr78Cys)

Gene: PARN (poly(A)-specific ribonuclease; minus strand). Cytogenetic location: 16p13.12.
Variant type: single nucleotide variant.
Coding change: c.233A>G on transcript NM_002582.4 (MANE Select); coding-DNA position 233, A replaced by G.
Protein change: p.Tyr78Cys; replaces tyrosine 78 with cysteine.
Molecular consequence: missense variant. On other transcripts: intron variant (1).
Genome position (GRCh38, 1-based): chr16:14,627,281, T>C on the plus strand (A>G on the coding strand, the complement: PARN is on the minus strand). VCF-style: chr16-14627281-T-C. GRCh37 (hg19) VCF-style: chr16-14721138-T-C.
Other names: c.50A>G, p.Tyr17Cys (NM_001134477.3); c.159-145A>G (NM_001242992.2); short protein forms Y17C, Y78C.
Identifiers: ClinVar variation 3761916 (VCV003761916.2).

ClinVar aggregate classification (germline): Uncertain significance (1 of 4 stars; one submission).

Conditions:
Dyskeratosis congenita, autosomal recessive 6 (DKCB6). Identifiers: MedGen C4225356, MONDO:0014600, OMIM 616353.
Pulmonary fibrosis and/or bone marrow failure, Telomere-related, 4. Also called: PULMONARY FIBROSIS AND/OR BONE MARROW FAILURE SYNDROME, TELOMERE-RELATED, 4. Identifiers: Orphanet 2032, MedGen C4225347, MONDO:0014612, OMIM 616371.

Submission:

Labcorp Genetics (formerly Invitae), Labcorp
Classification: Uncertain significance for Dyskeratosis congenita, autosomal recessive 6; Pulmonary fibrosis and/or bone marrow failure, Telomere-related, 4. Last evaluated: 2025-09-30. Review status: criteria provided, single submitter. Criteria: Invitae Variant Classification Sherloc (09022015). Collection method: clinical testing. Allele origin: germline.
Comment: This sequence change replaces tyrosine, which is neutral and polar, with cysteine, which is neutral and slightly polar, at codon 78 of the PARN protein (p.Tyr78Cys). This variant is present in population databases (no rsID available, gnomAD 0.0009%). This variant has not been reported in the literature in individuals affected with PARN-related conditions. ClinVar contains an entry for this variant (Variation ID: 3761916). Invitae Evidence Modeling of protein sequence and biophysical properties (such as structural, functional, and spatial information, amino acid conservation, physicochemical variation, residue mobility, and thermodynamic stability) indicates that this missense variant is not expected to disrupt PARN protein function with a negative predictive value of 80%. In summary, the available evidence is currently insufficient to determine the role of this variant in disease. Therefore, it has been classified as a Variant of Uncertain Significance.